The following is an entry in ClinVar:

ClinVar aggregate classification (germline): Uncertain significance. Review status: criteria provided, multiple submitters, no conflicts (2 of 4 stars). 2 submissions from 2 submitters: Uncertain significance (2). Last evaluated 2024-11-07.

Conditions:
Hereditary cancer-predisposing syndrome. Also called: Tumor predisposition; Neoplastic Syndromes, Hereditary; Hereditary Cancer Syndrome; Hereditary neoplastic syndrome. Identifiers: Orphanet 140162, MedGen C0027672, MeSH D009386, MONDO:0015356.

Allele frequency attached by ClinVar (database versions not stated): gnomAD exomes below 0.00001.
gnomAD v4.1: 1 of 1,614,214 alleles (0.000062%); highest among the groups gnomAD compares: East Asian, 0.0022%; no homozygotes.

Submissions (2):

Ambry Genetics
Classification: Uncertain significance for Hereditary cancer-predisposing syndrome. Last evaluated: 2024-11-07. Review status: criteria provided, single submitter. Criteria: Ambry Variant Classification Scheme 2023. Collection method: clinical testing. Allele origin: germline.
Comment: The p.H279Y variant (also known as c.835C>T), located in coding exon 7 of the TSC1 gene, results from a C to T substitution at nucleotide position 835. The histidine at codon 279 is replaced by tyrosine, an amino acid with similar properties. This amino acid position is conserved. In addition, this alteration is predicted to be tolerated by in silico analysis. Based on the available evidence, the clinical significance of this variant remains unclear.

GeneDx
Classification: Uncertain significance. Last evaluated: 2022-02-16. Review status: criteria provided, single submitter. Criteria: GeneDx Variant Classification Process June 2021. Collection method: clinical testing. Allele origin: germline. Affected: yes.
Comment: In silico analysis supports that this missense variant does not alter protein structure/function; Has not been previously published as pathogenic or benign to our knowledge

NM_000368.5(TSC1):c.835C>T (p.His279Tyr)

Gene: TSC1 (TSC complex subunit 1; minus strand). Cytogenetic location: 9q34.13.
Variant type: single nucleotide variant.
Coding change: c.835C>T on transcript NM_000368.5 (MANE Select); coding-DNA position 835, C replaced by T.
Protein change: p.His279Tyr; replaces histidine 279 with tyrosine.
Molecular consequence: missense variant.
Genome position (GRCh38, 1-based): chr9:132,912,360, G>A on the plus strand (C>T on the coding strand, the complement: TSC1 is on the minus strand). VCF-style: chr9-132912360-G-A. GRCh37 (hg19) VCF-style: chr9-135787747-G-A.
Other names: c.835C>T, p.His279Tyr (NM_001162426.2); c.682C>T, p.His228Tyr (NM_001162427.2); c.472C>T, p.His158Tyr (NM_001362177.2); short protein forms H158Y, H228Y, H279Y.
Identifiers: ClinVar variation 1702835 (VCV001702835.3), dbSNP rs1467020958, ClinGen allele CA375369316.